The following is an entry in ClinVar:

NM_001166108.2(PALLD):c.1965-12822C>G

Gene: PALLD (palladin, cytoskeletal associated protein; plus strand). Cytogenetic location: 4q32.3.
Variant type: single nucleotide variant.
Coding change: c.1965-12822C>G on transcript NM_001166108.2 (MANE Select); 12822 bases into the intron before coding-DNA position 1965, C replaced by G.
Molecular consequence: intron variant. On other transcripts: missense variant (1).
Genome position (GRCh38, 1-based): chr4:168,878,100, C>G. VCF-style: chr4-168878100-C-G. GRCh37 (hg19) VCF-style: chr4-169799251-C-G.
Other names: c.209C>G, p.Ala70Gly (NM_001166110.2); c.1965-12822C>G (NM_016081.4); c.819-12822C>G (NM_001166109.2); c.-157-12822C>G (NM_001367570.1, NM_001367568.1, NM_001367567.1 and 1 more transcripts); short protein forms A70G.
Identifiers: ClinVar variation 4130403 (VCV004130403.1).

ClinVar aggregate classification (germline): Uncertain significance (1 of 4 stars; one submission).

Submission:

Ambry Genetics
Classification: Uncertain significance. Last evaluated: 2025-07-12. Review status: criteria provided, single submitter. Criteria: Ambry Variant Classification Scheme 2023. Collection method: clinical testing. Allele origin: germline.
Comment: The p.A70G variant (also known as c.209C>G), located in coding exon 1 of the PALLD gene, results from a C to G substitution at nucleotide position 209. The alanine at codon 70 is replaced by glycine, an amino acid with similar properties. This amino acid position is conserved. In addition, this alteration is predicted to be tolerated by in silico analysis. Based on the available evidence, the clinical significance of this variant remains unclear.